The following is an entry in ClinVar:

ClinVar aggregate classification (germline): Likely benign (1 of 4 stars; one submission).

Allele frequency attached by ClinVar (database versions not stated): TOPMed 0.00001; ExAC 0.00003; ESP Exome Variant Server 0.00008.
gnomAD v4.1: 41 of 1,610,854 alleles (0.0025%); highest among the groups gnomAD compares: Non-Finnish European, 0.0027%; no homozygotes.

Submission:

CeGaT Center for Human Genetics Tuebingen
Classification: Likely benign. Last evaluated: 2023-03-01. Review status: criteria provided, single submitter. Criteria: CeGaT Center For Human Genetics Tuebingen Variant Classification Criteria Version 2. Collection method: clinical testing. Allele origin: germline. Affected: yes. Observed: 1 variant allele.
Comment: LENG9: BP4, BP7

NM_001301782.2(LENG9):c.789G>T (p.Pro263=)

Gene: LENG9 (leukocyte receptor cluster member 9; minus strand). Cytogenetic location: 19q13.42.
Variant type: single nucleotide variant.
Coding change: c.789G>T on transcript NM_001301782.2 (MANE Select); coding-DNA position 789, G replaced by T.
Protein change: p.Pro263=; no amino-acid change (proline 263 retained).
Molecular consequence: synonymous variant.
Genome position (GRCh38, 1-based): chr19:54,462,738, C>A on the plus strand (G>T on the coding strand, the complement: LENG9 is on the minus strand). VCF-style: chr19-54462738-C-A. GRCh37 (hg19) VCF-style: chr19-54973918-C-A.
Identifiers: ClinVar variation 2650453 (VCV002650453.24), dbSNP rs150665622, ClinGen allele CA309664018.